The following is an entry in ClinVar:

ClinVar aggregate classification (germline): Conflicting classifications of pathogenicity. Review status: criteria provided, conflicting classifications (1 of 4 stars). 3 submissions from 3 submitters: Uncertain significance (2); Likely benign (1). Last evaluated 2025-09-10.

Conditions:
Hereditary cancer-predisposing syndrome. Also called: Tumor predisposition; Hereditary neoplastic syndrome; Neoplastic Syndromes, Hereditary; Hereditary Cancer Syndrome. Identifiers: Orphanet 140162, MedGen C0027672, MeSH D009386, MONDO:0015356.
Hereditary diffuse gastric adenocarcinoma (HDGC). Also called: DIFFUSE GASTRIC AND LOBULAR BREAST CANCER SYNDROME. Identifiers: Orphanet 26106, MedGen C1708349, MONDO:0007648, OMIM 137215.

Allele frequency attached by ClinVar (database versions not stated): gnomAD exomes 0.00001 and 0.00002; TOPMed below 0.00001; ExAC 0.00001.
gnomAD v4.1: 18 of 1,614,166 alleles (0.0011%); highest among the groups gnomAD compares: Middle Eastern, 0.016%; no homozygotes.

Submissions (3):

Labcorp Genetics (formerly Invitae), Labcorp
Classification: Likely benign for Hereditary diffuse gastric adenocarcinoma. Last evaluated: 2025-09-10. Review status: criteria provided, single submitter. Criteria: Invitae Variant Classification Sherloc (09022015). Collection method: clinical testing. Allele origin: germline.

Color Diagnostics, LLC DBA Color Health
Classification: Uncertain significance for Hereditary cancer-predisposing syndrome. Last evaluated: 2023-05-31. Review status: criteria provided, single submitter. Criteria: ACMG Guidelines, 2015. Collection method: clinical testing. Allele origin: germline.
Comment: This variant causes a T to G nucleotide substitution at the -14 position of intron 3 of the CDH1 gene. To our knowledge, functional studies have not been reported for this variant. This variant has not been reported in individuals affected with CDH1-related disorders in the literature. This variant has been identified in 4/251308 chromosomes in the general population by the Genome Aggregation Database (gnomAD). The available evidence is insufficient to determine the role of this variant in disease conclusively. Therefore, this variant is classified as a Variant of Uncertain Significance.

European Reference Network on Genetic Tumour Risk Syndromes (ERN-GENTURIS), i3s - Instituto de Investigação e Inovação em Saúde, University of Porto
Classification: Uncertain significance for Hereditary diffuse gastric adenocarcinoma. Last evaluated: 2022-08-01. Review status: criteria provided, single submitter. Criteria: Lee et al. (Hum Mutat. 2018). Collection method: clinical testing. Allele origin: germline. Inheritance: Autosomal dominant inheritance. Affected: no. Study: ERN GENTURIS.
Comment: Not applicable criteria (PMID: 30311375)

Literature cited by the submitters: PubMed 36436516 (cited by European Reference Network on Genetic Tumour Risk Syndromes (ERN-GENTURIS), i3s - Instituto de Investigação e Inovação em Saúde, University of Porto).

NM_004360.5(CDH1):c.388-14T>G

Gene: CDH1 (cadherin 1; plus strand). Cytogenetic location: 16q22.1.
Variant type: single nucleotide variant.
Coding change: c.388-14T>G on transcript NM_004360.5 (MANE Select); 14 bases into the intron before coding-DNA position 388, T replaced by G.
Molecular consequence: intron variant.
Genome position (GRCh38, 1-based): chr16:68,808,410, T>G. VCF-style: chr16-68808410-T-G. GRCh37 (hg19) VCF-style: chr16-68842313-T-G.
Other names: c.-1228-14T>G (NM_001317185.2); c.-1432-14T>G (NM_001317186.2); c.388-14T>G (NM_001317184.2).
Identifiers: ClinVar variation 926676 (VCV000926676.16), dbSNP rs769151434, ClinGen allele CA8129859.
Genomic context (GRCh38, chr16:68,808,410, plus strand): 5'-CTAGGTTGGACTGTTAGACCTGAAGTATCCGTCTTGAATTGTCTTATCTTGTTCCTCATC[T>G]TCTTTCCTTTTAGGCCTCCGTTTCTGGAATCCAAGCAGAATTGCTCACATTTCCCAACTC-3'